The following is an entry in ClinVar:

ClinVar aggregate classification (germline): Uncertain significance. Review status: criteria provided, multiple submitters, no conflicts (2 of 4 stars). 3 submissions from 3 submitters: Uncertain significance (2). 1 of the submissions does not count toward it. Last evaluated 2025-04-01.

Conditions:
INPP5E-related disorder. Also called: INPP5E-related condition.
Inborn genetic diseases. Identifiers: MedGen C0950123, MeSH D030342.
Joubert syndrome. Also called: CEREBELLOPARENCHYMAL DISORDER IV; JOUBERT-BOLTSHAUSER SYNDROME; Familial aplasia of the vermis. Identifiers: Orphanet 475, MedGen C5979921, MONDO:0018772.

gnomAD v4.1: 8 of 1,612,144 alleles (0.0005%); no homozygotes.

Submissions (3):

Ambry Genetics
Classification: Uncertain significance for Inborn genetic diseases. Last evaluated: 2025-04-01. Review status: criteria provided, single submitter. Criteria: Ambry Variant Classification Scheme 2023. Collection method: clinical testing. Allele origin: germline.

Labcorp Genetics (formerly Invitae), Labcorp
Classification: Uncertain significance for Joubert syndrome. Last evaluated: 2022-08-06. Review status: criteria provided, single submitter. Criteria: Invitae Variant Classification Sherloc (09022015). Collection method: clinical testing. Allele origin: germline.
Comment: This sequence change replaces leucine, which is neutral and non-polar, with isoleucine, which is neutral and non-polar, at codon 216 of the INPP5E protein (p.Leu216Ile). This variant is not present in population databases (gnomAD no frequency). This variant has not been reported in the literature in individuals affected with INPP5E-related conditions. ClinVar contains an entry for this variant (Variation ID: 852754). Advanced modeling of protein sequence and biophysical properties (such as structural, functional, and spatial information, amino acid conservation, physicochemical variation, residue mobility, and thermodynamic stability) performed at Invitae indicates that this missense variant is not expected to disrupt INPP5E protein function. In summary, the available evidence is currently insufficient to determine the role of this variant in disease. Therefore, it has been classified as a Variant of Uncertain Significance.

PreventionGenetics, part of Exact Sciences
Classification: Uncertain significance for INPP5E-related condition. Last evaluated: 2024-09-07. Review status: no assertion criteria provided. Collection method: clinical testing. Allele origin: germline. Not counted in ClinVar's aggregate classification.
Comment: The INPP5E c.646C>A variant is predicted to result in the amino acid substitution p.Leu216Ile. To our knowledge, this variant has not been reported in the literature or in a large population database, indicating this variant is rare. At this time, the clinical significance of this variant is uncertain due to the absence of conclusive functional and genetic evidence.

NM_019892.6(INPP5E):c.646C>A (p.Leu216Ile)

Gene: INPP5E (inositol polyphosphate-5-phosphatase E; minus strand). Cytogenetic location: 9q34.3.
Variant type: single nucleotide variant.
Coding change: c.646C>A on transcript NM_019892.6 (MANE Select); coding-DNA position 646, C replaced by A.
Protein change: p.Leu216Ile; replaces leucine 216 with isoleucine.
Molecular consequence: missense variant.
Genome position (GRCh38, 1-based): chr9:136,438,774, G>T on the plus strand (C>A on the coding strand, the complement: INPP5E is on the minus strand). VCF-style: chr9-136438774-G-T. GRCh37 (hg19) VCF-style: chr9-139333226-G-T.
Other names: c.646C>A (NM_019892.5); c.646C>A, p.Leu216Ile (NM_001318502.2); short protein forms L216I.
Identifiers: ClinVar variation 852754 (VCV000852754.9), dbSNP rs994157744, ClinGen allele CA375568072.